The following is an entry in ClinVar:

NM_001243279.3(ACSF3):c.1398C>T (p.Tyr466=)

Gene: ACSF3 (acyl-CoA synthetase family member 3; plus strand). Cytogenetic location: 16q24.3.
Variant type: single nucleotide variant.
Coding change: c.1398C>T on transcript NM_001243279.3 (MANE Select); coding-DNA position 1398, C replaced by T.
Protein change: p.Tyr466=; no amino-acid change (tyrosine 466 retained).
Molecular consequence: synonymous variant. On other transcripts: non-coding transcript variant (4).
Genome position (GRCh38, 1-based): chr16:89,145,298, C>T. VCF-style: chr16-89145298-C-T. GRCh37 (hg19) VCF-style: chr16-89211706-C-T.
Other names: c.1398C>T, p.Tyr466= (NM_001127214.4, NM_174917.5); c.603C>T, p.Tyr201= (NM_001284316.2).
Identifiers: ClinVar variation 763243 (VCV000763243.14), dbSNP rs200146632, ClinGen allele CA8238214.

ClinVar aggregate classification (germline): Benign/Likely benign. Review status: criteria provided, multiple submitters, no conflicts (2 of 4 stars). 4 submissions from 4 submitters: Benign (1); Likely benign (2). 1 of the submissions does not count toward it. Last evaluated 2026-01-12.

Conditions:
Combined malonic and methylmalonic acidemia. Identifiers: Orphanet 289504, MedGen C3280314, MONDO:0013661, OMIM 614265.
ACSF3-related disorder. Also called: ACSF3-related condition.

Allele frequency attached by ClinVar (database versions not stated): gnomAD exomes 0.00004 and 0.00016; gnomAD 0.00013 and 0.00017; ExAC 0.00020; TOPMed 0.00020; 1000 Genomes Project 30x 0.00094; 1000 Genomes Project 0.00100.
gnomAD v4.1: 92 of 1,614,132 alleles (0.0057%); highest among the groups gnomAD compares: East Asian, 0.17%; no homozygotes.

Submissions (4):

Labcorp Genetics (formerly Invitae), Labcorp
Classification: Benign for Combined malonic and methylmalonic acidemia. Last evaluated: 2026-01-12. Review status: criteria provided, single submitter. Criteria: Invitae Variant Classification Sherloc (09022015). Collection method: clinical testing. Allele origin: germline.

PreventionGenetics, part of Exact Sciences
Classification: Likely benign for ACSF3-related condition. Last evaluated: 2025-01-14. Review status: criteria provided, single submitter. Criteria: ACMG Guidelines, 2015. Collection method: clinical testing. Allele origin: germline.
Comment: This variant is classified as likely benign based on ACMG/AMP sequence variant interpretation guidelines (Richards et al. 2015 PMID: 25741868, with internal and published modifications).

Blueprint Genetics
Classification: Likely benign. Last evaluated: 2020-10-26. Review status: criteria provided, single submitter. Criteria: ACMG Guidelines, 2015. Collection method: clinical testing. Allele origin: germline.

Natera, Inc.
Classification: Uncertain significance for Combined malonic and methylmalonic aciduria. Last evaluated: 2020-01-24. Review status: no assertion criteria provided. Collection method: clinical testing. Allele origin: germline. Not counted in ClinVar's aggregate classification.